The following is an entry in ClinVar:

ClinVar aggregate classification (germline): Conflicting classifications of pathogenicity. Review status: criteria provided, conflicting classifications (1 of 4 stars). 4 submissions from 4 submitters: Uncertain significance (3); Likely benign (1). Last evaluated 2025-06-27.

Conditions:
Dilated cardiomyopathy 1G (CMD1G). Identifiers: Orphanet 154, MedGen C1858763, MONDO:0011400, OMIM 604145.
Autosomal recessive limb-girdle muscular dystrophy type 2J (LGMDR10). Also called: Limb-girdle muscular dystrophy, type 2J; MUSCULAR DYSTROPHY, LIMB-GIRDLE, AUTOSOMAL RECESSIVE 10. Identifiers: Orphanet 140922, MedGen C1837342, MONDO:0012127, OMIM 608807.

Allele frequency attached by ClinVar (database versions not stated): TOPMed 0.00007; gnomAD 0.00009; gnomAD exomes 0.00015; 1000 Genomes Project 0.00020; ExAC 0.00021; 1000 Genomes Project 30x 0.00031.
gnomAD v4.1: 142 of 1,613,156 alleles (0.0088%); highest among the groups gnomAD compares: Admixed American, 0.01%; no homozygotes.

Submissions (4):

Women's Health and Genetics/Laboratory Corporation of America, LabCorp
Classification: Uncertain significance. Last evaluated: 2025-06-27. Review status: criteria provided, single submitter. Criteria: LabCorp Variant Classification Summary - May 2015. Collection method: clinical testing. Allele origin: germline.
Comment: Variant summary: TTN c.70003G>A (p.Val23335Ile) results in a conservative amino acid change in the encoded protein sequence. Algorithms developed to predict the effect of missense changes on protein structure and function all suggest that this variant is likely to be tolerated. The variant allele was found at a frequency of 0.00015 in 248196 control chromosomes. This frequency is not significantly higher than estimated for a pathogenic variant in TTN causing Dilated Cardiomyopathy (0.00015 vs 0.00039), allowing no conclusion about variant significance. To our knowledge, no occurrence of c.70003G>A in individuals affected with Dilated Cardiomyopathy and no experimental evidence demonstrating its impact on protein function have been reported. ClinVar contains an entry for this variant (Variation ID: 404723). Based on the evidence outlined above, the variant was classified as uncertain significance.

Revvity Omics, Revvity
Classification: Uncertain significance. Last evaluated: 2024-08-30. Review status: criteria provided, single submitter. Criteria: ACMG Guidelines, 2015. Collection method: clinical testing. Allele origin: germline.

GeneDx
Classification: Likely benign. Last evaluated: 2021-06-14. Review status: criteria provided, single submitter. Criteria: GeneDx Variant Classification Process June 2021. Collection method: clinical testing. Allele origin: germline. Affected: yes.

Labcorp Genetics (formerly Invitae), Labcorp
Classification: Uncertain significance for Dilated cardiomyopathy 1G; Autosomal recessive limb-girdle muscular dystrophy type 2J. Last evaluated: 2017-09-13. Review status: criteria provided, single submitter. Criteria: Invitae Variant Classification Sherloc (09022015). Collection method: clinical testing. Allele origin: germline.

NM_001267550.2(TTN):c.77707G>A (p.Val25903Ile)

Genes: TTN-AS1 (TTN antisense RNA 1; plus strand), TTN (titin; minus strand). Cytogenetic location: 2q31.2.
Variant type: single nucleotide variant.
Coding change: c.77707G>A on transcript NM_001267550.2 (MANE Select); coding-DNA position 77707, G replaced by A.
Protein change: p.Val25903Ile; replaces valine 25903 with isoleucine.
Molecular consequence: missense variant.
Genome position (GRCh38, 1-based): chr2:178,568,425, C>T on the plus strand (G>A on the coding strand, the complement: TTN is on the minus strand). VCF-style: chr2-178568425-C-T. GRCh37 (hg19) VCF-style: chr2-179433152-C-T.
Other names: c.72784G>A, p.Val24262Ile (NM_001256850.1); c.50512G>A, p.Val16838Ile (NM_003319.4); c.70003G>A, p.Val23335Ile (NM_133378.4); c.50887G>A, p.Val16963Ile (NM_133432.3); c.51088G>A, p.Val17030Ile (NM_133437.4); c.77707G>A (NM_001267550.1); short protein forms V25903I, V16838I, V16963I, V17030I, V23335I, V24262I.
Identifiers: ClinVar variation 404723 (VCV000404723.7), dbSNP rs570615498, ClinGen allele CA1989723.